The following is an entry in ClinVar:

NM_001378969.1(KCND3):c.385G>A (p.Gly129Arg)

Gene: KCND3 (potassium voltage-gated channel subfamily D member 3; minus strand). Cytogenetic location: 1p13.2.
Variant type: single nucleotide variant.
Coding change: c.385G>A on transcript NM_001378969.1 (MANE Select); coding-DNA position 385, G replaced by A.
Protein change: p.Gly129Arg; replaces glycine 129 with arginine.
Molecular consequence: missense variant.
Genome position (GRCh38, 1-based): chr1:111,982,342, C>T on the plus strand (G>A on the coding strand, the complement: KCND3 is on the minus strand). VCF-style: chr1-111982342-C-T. GRCh37 (hg19) VCF-style: chr1-112524964-C-T.
Other names: c.385G>A, p.Gly129Arg (NM_001378970.1, NM_004980.5, NM_172198.3); short protein forms G129R.
Identifiers: ClinVar variation 2625191 (VCV002625191.2), dbSNP rs1243770104, ClinGen allele CA341822270.

ClinVar aggregate classification (germline): Uncertain significance (1 of 4 stars; one submission).

Conditions:
Cardiovascular phenotype. Identifiers: MedGen CN230736.

Allele frequency attached by ClinVar (database versions not stated): gnomAD exomes below 0.00001.

Submission:

Ambry Genetics
Classification: Uncertain significance for Cardiovascular phenotype. Last evaluated: 2023-06-22. Review status: criteria provided, single submitter. Criteria: Ambry Variant Classification Scheme 2023. Collection method: clinical testing. Allele origin: germline.
Comment: The p.G129R variant (also known as c.385G>A), located in coding exon 1 of the KCND3 gene, results from a G to A substitution at nucleotide position 385. The glycine at codon 129 is replaced by arginine, an amino acid with dissimilar properties. This amino acid position is conserved. In addition, the in silico prediction for this alteration is inconclusive. Since supporting evidence is limited at this time, the clinical significance of this alteration remains unclear.